The following is an entry in ClinVar:

NM_000081.4(LYST):c.1507C>T (p.Arg503Ter)

Gene: LYST (lysosomal trafficking regulator; minus strand). Cytogenetic location: 1q42.3.
Variant type: single nucleotide variant.
Coding change: c.1507C>T on transcript NM_000081.4 (MANE Select); coding-DNA position 1507, C replaced by T.
Protein change: p.Arg503Ter; replaces arginine 503 with a stop codon.
Molecular consequence: nonsense.
Genome position (GRCh38, 1-based): chr1:235,809,311, G>A on the plus strand (C>T on the coding strand, the complement: LYST is on the minus strand). VCF-style: chr1-235809311-G-A. GRCh37 (hg19) VCF-style: chr1-235972611-G-A.
Other names: c.1507C>T, p.Arg503Ter (NM_001301365.1); short protein forms R503*.
Identifiers: ClinVar variation 620096 (VCV000620096.8), dbSNP rs1558282769, ClinGen allele CA344962243.

ClinVar aggregate classification (germline): Pathogenic/Likely pathogenic. Review status: criteria provided, multiple submitters, no conflicts (2 of 4 stars). 3 submissions from 3 submitters: Pathogenic (2); Likely pathogenic (1). Last evaluated 2026-01-21.

Conditions:
Chédiak-Higashi syndrome (CHS). Also called: Chediak-Higashi Syndrome. Identifiers: Orphanet 167, MedGen C0007965, MONDO:0008963, OMIM 214500.

Allele frequency attached by ClinVar (database versions not stated): gnomAD exomes below 0.00001; gnomAD 0.00001; TOPMed 0.00001.
gnomAD v4.1: 4 of 1,613,936 alleles (0.00025%); highest among the groups gnomAD compares: East Asian, 0.0022%; no homozygotes.

Submissions (3):

Labcorp Genetics (formerly Invitae), Labcorp
Classification: Pathogenic for Chédiak-Higashi syndrome. Last evaluated: 2026-01-21. Review status: criteria provided, single submitter. Criteria: Invitae Variant Classification Sherloc (09022015). Collection method: clinical testing. Allele origin: germline.
Comment: This sequence change creates a premature translational stop signal (p.Arg503*) in the LYST gene. It is expected to result in an absent or disrupted protein product. Loss-of-function variants in LYST are known to be pathogenic (PMID: 9215679, 11857544). This variant is not present in population databases (gnomAD no frequency). This premature translational stop signal has been observed in individual(s) with Chediak-Higashi syndrome (PMID: 23436631, 28193763). ClinVar contains an entry for this variant (Variation ID: 620096). For these reasons, this variant has been classified as Pathogenic.

Baylor Genetics
Classification: Pathogenic for Chédiak-Higashi syndrome. Last evaluated: 2024-03-28. Review status: criteria provided, single submitter. Criteria: ACMG Guidelines, 2015. Collection method: clinical testing. Allele origin: unknown.

GeneDx
Classification: Likely pathogenic. Last evaluated: 2018-12-28. Review status: criteria provided, single submitter. Criteria: GeneDx Variant Classification (06012015). Collection method: clinical testing. Allele origin: germline. Affected: yes.
Comment: The R503X variant in the LYST gene has been reported previously to be heterozygous with a second variant in the LYST gene in an individual with features of Chediak-Higashi disease and both motor and non-motor Parkinsonian features (Bhambhani et al., 2013; Introne et al., 2016; Introne et al., 2017). This variant is predicted to cause loss of normal protein function either through protein truncation or nonsense-mediated mRNA decay. The R503X variant is not observed in large population cohorts (Lek et al., 2016). We interpret R503X as a likely pathogenic variant.

Literature cited by the submitters: PubMed 9215679 (cited by Labcorp Genetics (formerly Invitae), Labcorp); PubMed 11857544 (cited by Labcorp Genetics (formerly Invitae), Labcorp); PubMed 23436631 (cited by Labcorp Genetics (formerly Invitae), Labcorp); PubMed 28193763 (cited by Labcorp Genetics (formerly Invitae), Labcorp).